The following is an entry in ClinVar:

NM_000138.5(FBN1):c.7567A>C (p.Ile2523Leu)

Gene: FBN1 (fibrillin 1; minus strand). Cytogenetic location: 15q21.1.
Variant type: single nucleotide variant.
Coding change: c.7567A>C on transcript NM_000138.5 (MANE Select); coding-DNA position 7567, A replaced by C.
Protein change: p.Ile2523Leu; replaces isoleucine 2523 with leucine.
Molecular consequence: missense variant.
Genome position (GRCh38, 1-based): chr15:48,421,955, T>G on the plus strand (A>C on the coding strand, the complement: FBN1 is on the minus strand). VCF-style: chr15-48421955-T-G. GRCh37 (hg19) VCF-style: chr15-48714152-T-G.
Other names: short protein forms I2523L.
Identifiers: ClinVar variation 918500 (VCV000918500.8), dbSNP rs199524640, ClinGen allele CA058793.

ClinVar aggregate classification (germline): Uncertain significance. Review status: criteria provided, multiple submitters, no conflicts (2 of 4 stars). 3 submissions from 3 submitters: Uncertain significance (3). Last evaluated 2024-07-23.

Conditions:
Familial thoracic aortic aneurysm and aortic dissection (TAAD). Also called: Thoracic aortic aneurysms and dissections. Identifiers: Orphanet 91387, MedGen C4707243, MONDO:0019625.
Marfan syndrome (MFS). Also called: Marfan syndrome, classic; Marfan syndrome type 1; Marfan's syndrome; FBN1-Related Marfan Syndrome; MARFAN SYNDROME, TYPE I. Identifiers: Orphanet 284963, Orphanet 558, MedGen C0024796, MONDO:0007947, OMIM 154700.

Allele frequency attached by ClinVar (database versions not stated): gnomAD exomes 0.00001 and 0.00002; 1000 Genomes Project 0.00020; gnomAD 0.00001 and 0.00002; ExAC 0.00002; 1000 Genomes Project 30x 0.00031; TOPMed 0.00001.
gnomAD v4.1: 6 of 1,605,140 alleles (0.00037%); highest among the groups gnomAD compares: East Asian, 0.013%; no homozygotes.

Submissions (3):

Labcorp Genetics (formerly Invitae), Labcorp
Classification: Uncertain significance for Marfan syndrome; Familial thoracic aortic aneurysm and aortic dissection. Last evaluated: 2024-07-23. Review status: criteria provided, single submitter. Criteria: Invitae Variant Classification Sherloc (09022015). Collection method: clinical testing. Allele origin: germline.
Comment: This sequence change replaces isoleucine, which is neutral and non-polar, with leucine, which is neutral and non-polar, at codon 2523 of the FBN1 protein (p.Ile2523Leu). This variant is present in population databases (rs199524640, gnomAD 0.03%). This missense change has been observed in individuals with clinical features of FBN1-related conditions (PMID: 28855619; Invitae). ClinVar contains an entry for this variant (Variation ID: 918500). Advanced modeling of protein sequence and biophysical properties (such as structural, functional, and spatial information, amino acid conservation, physicochemical variation, residue mobility, and thermodynamic stability) has been performed at Invitae for this missense variant, however the output from this modeling did not meet the statistical confidence thresholds required to predict the impact of this variant on FBN1 protein function. In summary, the available evidence is currently insufficient to determine the role of this variant in disease. Therefore, it has been classified as a Variant of Uncertain Significance.

Blueprint Genetics
Classification: Uncertain significance. Last evaluated: 2018-11-16. Review status: criteria provided, single submitter. Criteria: ACMG Guidelines, 2015. Collection method: clinical testing. Allele origin: germline.

Color Diagnostics, LLC DBA Color Health
Classification: Uncertain significance for Familial thoracic aortic aneurysm and aortic dissection. Last evaluated: 2018-11-09. Review status: criteria provided, single submitter. Criteria: ACMG Guidelines, 2015. Collection method: clinical testing. Allele origin: germline.

Literature cited by the submitters: PubMed 28855619 (cited by Labcorp Genetics (formerly Invitae), Labcorp).